The following is an entry in ClinVar:

NM_033409.4(SLC52A3):c.499G>A (p.Val167Ile)

Gene: SLC52A3 (solute carrier family 52 member 3; minus strand). Cytogenetic location: 20p13.
Variant type: single nucleotide variant.
Coding change: c.499G>A on transcript NM_033409.4 (MANE Select); coding-DNA position 499, G replaced by A.
Protein change: p.Val167Ile; replaces valine 167 with isoleucine.
Molecular consequence: missense variant.
Genome position (GRCh38, 1-based): chr20:765,276, C>T on the plus strand (G>A on the coding strand, the complement: SLC52A3 is on the minus strand). VCF-style: chr20-765276-C-T. GRCh37 (hg19) VCF-style: chr20-745920-C-T.
Other names: c.499G>A, p.Val167Ile (NM_001370085.1, NM_001370086.1); short protein forms V167I.
Identifiers: ClinVar variation 642283 (VCV000642283.11), dbSNP rs112034541, ClinGen allele CA9724768.

ClinVar aggregate classification (germline): Uncertain significance. Review status: criteria provided, multiple submitters, no conflicts (2 of 4 stars). 3 submissions from 3 submitters: Uncertain significance (3). Last evaluated 2022-07-19.

Conditions:
Brown-Vialetto-van Laere syndrome 1. Also called: BROWN-VIALETTO-VAN LAERE SYNDROME 1, MILD; BULBAR PALSY, PROGRESSIVE, WITH SENSORINEURAL DEAFNESS; PONTOBULBAR PALSY WITH DEAFNESS. Identifiers: Orphanet 572550, Orphanet 97229, MedGen C0796274, MONDO:0024537, OMIM 211530.
Inborn genetic diseases. Identifiers: MedGen C0950123, MeSH D030342.

Allele frequency attached by ClinVar (database versions not stated): gnomAD exomes 0.00004 and 0.00002; TOPMed 0.00009; ExAC 0.00001; gnomAD 0.00005; ESP Exome Variant Server 0.00015.
gnomAD v4.1: 82 of 1,614,000 alleles (0.0051%); highest among the groups gnomAD compares: African/African-American, 0.021%; no homozygotes.

Submissions (3):

Labcorp Genetics (formerly Invitae), Labcorp
Classification: Uncertain significance for Brown-Vialetto-van Laere syndrome 1. Last evaluated: 2022-07-19. Review status: criteria provided, single submitter. Criteria: Invitae Variant Classification Sherloc (09022015). Collection method: clinical testing. Allele origin: germline.
Comment: This sequence change replaces valine, which is neutral and non-polar, with isoleucine, which is neutral and non-polar, at codon 167 of the SLC52A3 protein (p.Val167Ile). This variant is present in population databases (rs112034541, gnomAD 0.01%). This variant has not been reported in the literature in individuals affected with SLC52A3-related conditions. ClinVar contains an entry for this variant (Variation ID: 642283). Algorithms developed to predict the effect of missense changes on protein structure and function output the following: SIFT: "Tolerated"; PolyPhen-2: "Benign"; Align-GVGD: "Class C0". The isoleucine amino acid residue is found in multiple mammalian species, which suggests that this missense change does not adversely affect protein function. In summary, the available evidence is currently insufficient to determine the role of this variant in disease. Therefore, it has been classified as a Variant of Uncertain Significance.

Ambry Genetics
Classification: Uncertain significance for Inborn genetic diseases. Last evaluated: 2020-10-21. Review status: criteria provided, single submitter. Criteria: Ambry Variant Classification Scheme 2023. Collection method: clinical testing. Allele origin: germline.
Comment: The p.V167I variant (also known as c.499G>A), located in coding exon 1 of the SLC52A3 gene, results from a G to A substitution at nucleotide position 499. The valine at codon 167 is replaced by isoleucine, an amino acid with highly similar properties. This amino acid position is not conserved however, isoleucine is a reference amino acid in several species. In addition, this alteration is predicted to be tolerated by in silico analysis. Since supporting evidence is limited at this time, the clinical significance of this alteration remains unclear.

GeneDx
Classification: Uncertain significance. Last evaluated: 2019-11-13. Review status: criteria provided, single submitter. Criteria: GeneDx Variant Classification Process June 2021. Collection method: clinical testing. Allele origin: germline. Affected: yes.
Comment: Not observed at a significant frequency in large population cohorts (Lek et al., 2016); In silico analysis, which includes protein predictors and evolutionary conservation, supports that this variant does not alter protein structure/function; This variant is associated with the following publications: (PMID: 23506902)